The following is an entry in ClinVar:

NM_024921.4(POF1B):c.1374C>T (p.Asn458=)

Gene: POF1B (POF1B actin binding protein; minus strand). Cytogenetic location: Xq21.1.
Variant type: single nucleotide variant.
Coding change: c.1374C>T on transcript NM_024921.4 (MANE Select); coding-DNA position 1374, C replaced by T.
Protein change: p.Asn458=; no amino-acid change (asparagine 458 retained).
Molecular consequence: synonymous variant.
Genome position (GRCh38, 1-based): chrX:85,305,854, G>A on the plus strand (C>T on the coding strand, the complement: POF1B is on the minus strand). VCF-style: chrX-85305854-G-A. GRCh37 (hg19) VCF-style: chrX-84560860-G-A.
Other names: c.1374C>T, p.Asn458= (NM_001307940.2).
Identifiers: ClinVar variation 368784 (VCV000368784.10), dbSNP rs73627353, ClinGen allele CA10464974.

ClinVar aggregate classification (germline): Benign. Review status: criteria provided, multiple submitters, no conflicts (2 of 4 stars). 3 submissions from 3 submitters: Benign (3). Last evaluated 2019-12-31.

Conditions:
Premature ovarian failure 2B. Identifiers: MedGen C1845105, MONDO:0010373, OMIM 300604.

Allele frequency attached by ClinVar (database versions not stated): gnomAD exomes 0.00204 and 0.00543; ExAC 0.00663; gnomAD 0.01943 and 0.02059; TOPMed 0.02162; 1000 Genomes Project 0.02252; 1000 Genomes Project 30x 0.02435; ESP Exome Variant Server 0.02480.
gnomAD v4.1: 4,514 of 1,207,740 alleles (0.37%); highest among the groups gnomAD compares: African/African-American, 6.7%; 101 homozygotes.

Submissions (3):

Labcorp Genetics (formerly Invitae), Labcorp
Classification: Benign. Last evaluated: 2019-12-31. Review status: criteria provided, single submitter. Criteria: Invitae Variant Classification Sherloc (09022015). Collection method: clinical testing. Allele origin: germline.

Illumina Laboratory Services, Illumina
Classification: Benign for Premature ovarian failure 2B. Last evaluated: 2018-01-12. Review status: criteria provided, single submitter. Criteria: ICSL Variant Classification Criteria 13 December 2019. Collection method: clinical testing. Allele origin: germline.
Comment: This variant was observed in the ICSL laboratory as part of a predisposition screen in an ostensibly healthy population. It had not been previously curated by ICSL or reported in the Human Gene Mutation Database (HGMD: prior to June 1st, 2018), and was therefore a candidate for classification through an automated scoring system. Utilizing variant allele frequency, disease prevalence and penetrance estimates, and inheritance mode, an automated score was calculated to assess if this variant is too frequent to cause the disease. Based on the score and internal cut-off values, a variant classified as benign is not then subjected to further curation. The score for this variant resulted in a classification of benign for this disease.

Breakthrough Genomics
Classification: Benign. Review status: criteria provided, single submitter. Criteria: ACMG Guidelines, 2015. Collection method: not provided. Allele origin: germline. Inheritance: X-linked inheritance. Affected: yes.